The following is an entry in ClinVar:

ClinVar aggregate classification (germline): Likely benign. Review status: criteria provided, multiple submitters, no conflicts (2 of 4 stars). 3 submissions from 3 submitters: Likely benign (2). 1 of the submissions does not count toward it. Last evaluated 2025-10-11.

Conditions:
PRF1-related disorder. Also called: PRF1-related condition.
Familial hemophagocytic lymphohistiocytosis 2 (FHL2). Also called: PRF1-Related Familial Hemophagocytic Lymphohistiocytosis (PRF1-fHLH). Identifiers: Orphanet 540, MedGen C1863727, MONDO:0011337, OMIM 603553.

Allele frequency attached by ClinVar (database versions not stated): gnomAD 0.00002; gnomAD exomes 0.00002 and 0.00009; TOPMed 0.00008; ExAC 0.00012.
gnomAD v4.1: 36 of 1,611,892 alleles (0.0022%); highest among the groups gnomAD compares: East Asian, 0.038%; no homozygotes.

Submissions (3):

Labcorp Genetics (formerly Invitae), Labcorp
Classification: Likely benign for Familial hemophagocytic lymphohistiocytosis 2. Last evaluated: 2025-10-11. Review status: criteria provided, single submitter. Criteria: Invitae Variant Classification Sherloc (09022015). Collection method: clinical testing. Allele origin: germline.

Blueprint Genetics
Classification: Likely benign. Last evaluated: 2024-09-13. Review status: criteria provided, single submitter. Criteria: ACMG Guidelines, 2015. Collection method: clinical testing. Allele origin: germline.

PreventionGenetics, part of Exact Sciences
Classification: Likely benign for PRF1-related condition. Last evaluated: 2024-07-30. Review status: no assertion criteria provided. Collection method: clinical testing. Allele origin: germline. Not counted in ClinVar's aggregate classification.
Comment: This variant is classified as likely benign based on ACMG/AMP sequence variant interpretation guidelines (Richards et al. 2015 PMID: 25741868, with internal and published modifications).

NM_001083116.3(PRF1):c.66G>A (p.Pro22=)

Gene: PRF1 (perforin 1; minus strand). Cytogenetic location: 10q22.1.
Variant type: single nucleotide variant.
Coding change: c.66G>A on transcript NM_001083116.3 (MANE Select); coding-DNA position 66, G replaced by A.
Protein change: p.Pro22=; no amino-acid change (proline 22 retained).
Molecular consequence: synonymous variant.
Genome position (GRCh38, 1-based): chr10:70,600,837, C>T on the plus strand (G>A on the coding strand, the complement: PRF1 is on the minus strand). VCF-style: chr10-70600837-C-T. GRCh37 (hg19) VCF-style: chr10-72360593-C-T.
Other names: c.66G>A (NM_001083116.1); c.66G>A, p.Pro22= (NM_005041.6).
Identifiers: ClinVar variation 1141984 (VCV001141984.11), dbSNP rs901882400, ClinGen allele CA5539137.
Genomic context (GRCh38, chr10:70,600,837, plus strand): 5'-CCATGCACCAGGCACGAACTTGTGGCTGCGCTTGCACTCTGAGCGTGCGGCTGTGTGGCA[C>T]GGGGCAGGGACGGGCAGGGGCAGCAGCAGGAGAAGGATGCCCAGGAGGAGCAGACGGGCT-3'
Protein context (NP_001076585.1, residues 12-32): LLLLPLPVPA[Pro22=]CHTAARSECK